The following is an entry in ClinVar:

ClinVar aggregate classification (germline): Benign/Likely benign. Review status: criteria provided, multiple submitters, no conflicts (2 of 4 stars). 7 submissions from 7 submitters: Benign (1); Likely benign (6). Last evaluated 2026-08-27.

Conditions:
Hereditary cancer-predisposing syndrome. Also called: Neoplastic Syndromes, Hereditary; Hereditary neoplastic syndrome; Tumor predisposition; Hereditary Cancer Syndrome. Identifiers: Orphanet 140162, MedGen C0027672, MeSH D009386, MONDO:0015356.
Gorlin syndrome. Also called: Nevoid Basal Cell Carcinoma Syndrome; Basal cell nevus syndrome. Identifiers: Orphanet 377, MedGen C0004779, MONDO:0007187.
PTCH1-related disorder. Also called: PTCH1-related disorders; PTCH1-related condition.

Allele frequency attached by ClinVar (database versions not stated): TOPMed below 0.00001; gnomAD 0.00001 and 0.00003; gnomAD exomes 0.00005 and 0.00007; ExAC 0.00006.
gnomAD v4.1: 76 of 1,612,852 alleles (0.0047%); highest among the groups gnomAD compares: South Asian, 0.064%; no homozygotes.

Submissions (7):

PreventionGenetics, part of Exact Sciences
Classification: Likely benign for PTCH1-related condition. Last evaluated: 2026-08-27. Review status: criteria provided, single submitter. Criteria: ACMG Guidelines, 2015. Collection method: clinical testing. Allele origin: germline.
Comment: This variant is classified as likely benign based on ACMG/AMP sequence variant interpretation guidelines (Richards et al. 2015 PMID: 25741868, with internal and published modifications).

Labcorp Genetics (formerly Invitae), Labcorp
Classification: Benign for Gorlin syndrome. Last evaluated: 2026-01-16. Review status: criteria provided, single submitter. Criteria: Invitae Variant Classification Sherloc (09022015). Collection method: clinical testing. Allele origin: germline.

CeGaT Center for Human Genetics Tuebingen
Classification: Likely benign. Last evaluated: 2024-01-01. Review status: criteria provided, single submitter. Criteria: CeGaT Center For Human Genetics Tuebingen Variant Classification Criteria Version 2. Collection method: clinical testing. Allele origin: germline. Affected: yes. Observed: 1 variant allele.
Comment: PTCH1: BP4

KCCC/NGS Laboratory, Kuwait Cancer Control Center
Classification: Likely benign for Basal cell nevus syndrome 1. Last evaluated: 2023-07-07. Review status: criteria provided, single submitter. Criteria: ACMG Guidelines, 2015. Collection method: clinical testing. Allele origin: germline. Affected: yes.

Blueprint Genetics
Classification: Likely benign. Last evaluated: 2021-09-27. Review status: criteria provided, single submitter. Criteria: ACMG Guidelines, 2015. Collection method: clinical testing. Allele origin: germline.

Ambry Genetics
Classification: Likely benign for Hereditary cancer-predisposing syndrome. Last evaluated: 2019-12-23. Review status: criteria provided, single submitter. Criteria: Ambry Variant Classification Scheme 2023. Collection method: clinical testing. Allele origin: germline.

GeneDx
Classification: Likely benign. Last evaluated: 2016-07-08. Review status: criteria provided, single submitter. Criteria: GeneDx Variant Classification (06012015). Collection method: clinical testing. Allele origin: germline. Affected: yes.
Comment: This variant is considered likely benign or benign based on one or more of the following criteria: it is a conservative change, it occurs at a poorly conserved position in the protein, it is predicted to be benign by multiple in silico algorithms, and/or has population frequency not consistent with disease.

NM_000264.5(PTCH1):c.4050G>A (p.Arg1350=)

Gene: PTCH1 (patched 1; minus strand). Cytogenetic location: 9q22.32.
Variant type: single nucleotide variant.
Coding change: c.4050G>A on transcript NM_000264.5 (MANE Select); coding-DNA position 4050, G replaced by A.
Protein change: p.Arg1350=; no amino-acid change (arginine 1350 retained).
Molecular consequence: synonymous variant. On other transcripts: non-coding transcript variant (1).
Genome position (GRCh38, 1-based): chr9:95,447,206, C>T on the plus strand (G>A on the coding strand, the complement: PTCH1 is on the minus strand). VCF-style: chr9-95447206-C-T. GRCh37 (hg19) VCF-style: chr9-98209488-C-T.
Other names: c.3852G>A, p.Arg1284= (NM_001083602.3); c.4047G>A, p.Arg1349= (NM_001083603.3); c.3597G>A, p.Arg1199= (NM_001083604.3, NM_001083605.3, NM_001083606.3 and 1 more transcripts); c.3894G>A, p.Arg1298= (NM_001354918.2).
Identifiers: ClinVar variation 387632 (VCV000387632.41), dbSNP rs748440992, ClinGen allele CA5137967.